The following is an entry in ClinVar:

ClinVar aggregate classification (germline): Pathogenic (1 of 4 stars; one submission).

Conditions:
Bardet-Biedl syndrome (BBS). Identifiers: Orphanet 110, MedGen C0752166, MONDO:0015229.

Submission:

Labcorp Genetics (formerly Invitae), Labcorp
Classification: Pathogenic for Bardet-Biedl syndrome. Last evaluated: 2022-08-24. Review status: criteria provided, single submitter. Criteria: Invitae Variant Classification Sherloc (09022015). Collection method: clinical testing. Allele origin: germline.
Comment: This variant has not been reported in the literature in individuals affected with WDPCP-related conditions. For these reasons, this variant has been classified as Pathogenic. This variant is present in population databases (no rsID available, gnomAD 0.007%). This sequence change creates a premature translational stop signal (p.Arg576Ilefs*12) in the WDPCP gene. It is expected to result in an absent or disrupted protein product. Loss-of-function variants in WDPCP are known to be pathogenic (PMID: 20671153, 25427950, 27158779).

Literature cited by the submitters: PubMed 20671153; PubMed 25427950; PubMed 27158779.

NM_015910.7(WDPCP):c.1727_1728del (p.Arg576fs)

Gene: WDPCP (WD repeat containing planar cell polarity effector; minus strand). Cytogenetic location: 2p15.
Variant type: Microsatellite.
Coding change: c.1727_1728del on transcript NM_015910.7 (MANE Select); coding-DNA positions 1727 to 1728, 2 bases deleted (GA; older notation c.1727_1728delGA).
Protein change: p.Arg576fs; shifts the reading frame from arginine 576.
Molecular consequence: frameshift variant. On other transcripts: non-coding transcript variant (3).
Genome position (GRCh38, 1-based): chr2:63,378,406-63,378,407, TC deleted on the plus strand (GA on the coding strand, the reverse complement: WDPCP is on the minus strand); deleting any 2 consecutive bases within chr2:63,378,406-63,378,409 gives the same sequence; the c. name uses the placement nearest the transcript's 3' end. VCF-style (leftmost placement, unchanged base first): chr2-63378405-ATC-A. GRCh37 (hg19) VCF-style: chr2-63605540-ATC-A.
Other names: c.1250_1251del, p.Arg417fs (NM_001042692.3); c.1655_1656del, p.Arg552fs (NM_001354044.2); c.1727_1728del, p.Arg576fs (NM_001354045.2); short protein forms R552fs, R576fs, R417fs.
Identifiers: ClinVar variation 2145983 (VCV002145983.4), dbSNP rs1558542714, ClinGen allele CA533458057.
Genomic context (GRCh38, chr2:63,378,405, plus strand): 5'-GTAATTAGTCTGACGCTAATCAATCCAAACATATCATTCACCTGAGCAAGTGATGGAAGA[ATC>A]TCCTTGCATATTTGCTGATTTGATCTCTATATTCCAATATAGTGGAATCCAGAAGTGGTC-3'